The following is an entry in ClinVar:

NM_021629.4(GNB4):c.839A>G (p.Lys280Arg)

Gene: GNB4 (G protein subunit beta 4; minus strand). Cytogenetic location: 3q26.33.
Variant type: single nucleotide variant.
Coding change: c.839A>G on transcript NM_021629.4 (MANE Select); coding-DNA position 839, A replaced by G.
Protein change: p.Lys280Arg; replaces lysine 280 with arginine.
Molecular consequence: missense variant.
Genome position (GRCh38, 1-based): chr3:179,405,267, T>C on the plus strand (A>G on the coding strand, the complement: GNB4 is on the minus strand). VCF-style: chr3-179405267-T-C. GRCh37 (hg19) VCF-style: chr3-179123055-T-C.
Other names: short protein forms K280R.
Identifiers: ClinVar variation 2849211 (VCV002849211.3), dbSNP rs1367787021, ClinGen allele CA355468915.

ClinVar aggregate classification (germline): Uncertain significance (1 of 4 stars; one submission).

Conditions:
Charcot-Marie-Tooth disease dominant intermediate F. Identifiers: Orphanet 352670, MedGen C4749463, MONDO:0014074, OMIM 615185.

Allele frequency attached by ClinVar (database versions not stated): TOPMed below 0.00001; gnomAD exomes 0.00001.
gnomAD v4.1: 3 of 1,614,208 alleles (0.00019%); highest among the groups gnomAD compares: Admixed American, 0.005%; no homozygotes.

Submission:

Labcorp Genetics (formerly Invitae), Labcorp
Classification: Uncertain significance for Charcot-Marie-Tooth disease dominant intermediate F. Last evaluated: 2023-03-30. Review status: criteria provided, single submitter. Criteria: Invitae Variant Classification Sherloc (09022015). Collection method: clinical testing. Allele origin: germline.
Comment: In summary, the available evidence is currently insufficient to determine the role of this variant in disease. Therefore, it has been classified as a Variant of Uncertain Significance. Advanced modeling of protein sequence and biophysical properties (such as structural, functional, and spatial information, amino acid conservation, physicochemical variation, residue mobility, and thermodynamic stability) performed at Invitae indicates that this missense variant is not expected to disrupt GNB4 protein function. This variant has not been reported in the literature in individuals affected with GNB4-related conditions. This variant is present in population databases (no rsID available, gnomAD 0.009%). This sequence change replaces lysine, which is basic and polar, with arginine, which is basic and polar, at codon 280 of the GNB4 protein (p.Lys280Arg).